The following is an entry in ClinVar:

NM_006415.4(SPTLC1):c.428-1G>C

Gene: SPTLC1 (serine palmitoyltransferase long chain base subunit 1; minus strand). Cytogenetic location: 9q22.31.
Variant type: single nucleotide variant.
Coding change: c.428-1G>C on transcript NM_006415.4 (MANE Select); the canonical splice acceptor site of the intron before coding-DNA position 428, G replaced by C.
Molecular consequence: splice acceptor variant.
Genome position (GRCh38, 1-based): chr9:92,068,099, C>G on the plus strand (G>C on the coding strand, the complement: SPTLC1 is on the minus strand). VCF-style: chr9-92068099-C-G. GRCh37 (hg19) VCF-style: chr9-94830381-C-G.
Other names: c.428-1G>C (NM_001281303.2); c.62-1G>C (NM_001368272.1); c.-38-1G>C (NM_001368273.1).
Identifiers: ClinVar variation 567474 (VCV000567474.9), dbSNP rs776829771, ClinGen allele CA5121549.
Genomic context (GRCh38, chr9:92,068,099, plus strand): 5'-TAATGGCTTCTTCTGTCTTCATAAATTTTGCCAGGCGGTCTTCCAAATCCAAATGAACAT[C>G]TATTTCAGTTAAAAAAGTTAAATGGTTAAACTGCCTTATAATTCTTTTTCTCTACTAAAG-3'

ClinVar aggregate classification (germline): Uncertain significance (1 of 4 stars; one submission).

Conditions:
Hereditary sensory and autonomic neuropathy type 1 (HSAN1). Also called: HSAN 1; HSN Type I; Hereditary Sensory Neuropathy Type I. Identifiers: Orphanet 36386, MedGen C0020071, MONDO:0018213.

Allele frequency attached by ClinVar (database versions not stated): TOPMed 0.00001; gnomAD 0.00001.
gnomAD v4.1: 5 of 1,613,468 alleles (0.00031%); highest among the groups gnomAD compares: African/African-American, 0.0013%; no homozygotes.

Submissions (2):

Labcorp Genetics (formerly Invitae), Labcorp
Classification: Uncertain significance for Hereditary sensory and autonomic neuropathy type 1. Last evaluated: 2023-06-30. Review status: criteria provided, single submitter. Criteria: Invitae Variant Classification Sherloc (09022015). Collection method: clinical testing. Allele origin: germline.
Comment: This sequence change affects an acceptor splice site in intron 5 of the SPTLC1 gene. It is expected to disrupt RNA splicing. Variants that disrupt the donor or acceptor splice site typically lead to a loss of protein function (PMID: 16199547), however the current clinical and genetic evidence is not sufficient to establish whether loss-of-function variants in SPTLC1 cause disease. This variant is present in population databases (rs776829771, gnomAD 0.007%). This variant has not been reported in the literature in individuals affected with SPTLC1-related conditions. ClinVar contains an entry for this variant (Variation ID: 567474). Algorithms developed to predict the effect of sequence changes on RNA splicing suggest that this variant may disrupt the consensus splice site. In summary, the available evidence is currently insufficient to determine the role of this variant in disease. Therefore, it has been classified as a Variant of Uncertain Significance.

Dr. Peter K. Rogan Lab, Western University
No classification provided (evidence only). Condition: Cervical cancer. Review status: no classification provided. Collection method: in vitro. Allele origin: not applicable. Functional consequence: skipped exon, retained intron. Not counted in ClinVar's aggregate classification.

Literature cited by the submitters: PubMed 16199547 (cited by Labcorp Genetics (formerly Invitae), Labcorp).